The following is an entry in ClinVar:

ClinVar aggregate classification (germline): Uncertain significance. Review status: criteria provided, multiple submitters, no conflicts (2 of 4 stars). 2 submissions from 2 submitters: Uncertain significance (2). Last evaluated 2022-05-14.

Conditions:
RASopathy. Also called: Noonan spectrum disorder; rasopathies. Identifiers: Orphanet 536391, MedGen C5555857, MONDO:0021060.

Allele frequency attached by ClinVar (database versions not stated): gnomAD exomes below 0.00001.
gnomAD v4.1: 1 of 1,614,188 alleles (0.000062%); highest among the groups gnomAD compares: Non-Finnish European, 0.000085%; no homozygotes.

Submissions (2):

Labcorp Genetics (formerly Invitae), Labcorp
Classification: Uncertain significance for RASopathy. Last evaluated: 2022-05-14. Review status: criteria provided, single submitter. Criteria: Invitae Variant Classification Sherloc (09022015). Collection method: clinical testing. Allele origin: germline.
Comment: This sequence change replaces serine, which is neutral and polar, with cysteine, which is neutral and slightly polar, at codon 243 of the RAF1 protein (p.Ser243Cys). This variant is not present in population databases (gnomAD no frequency). This variant has not been reported in the literature in individuals affected with RAF1-related conditions. ClinVar contains an entry for this variant (Variation ID: 636674). Algorithms developed to predict the effect of missense changes on protein structure and function are either unavailable or do not agree on the potential impact of this missense change (SIFT: "Tolerated"; PolyPhen-2: "Possibly Damaging"; Align-GVGD: "Class C15"). In summary, the available evidence is currently insufficient to determine the role of this variant in disease. Therefore, it has been classified as a Variant of Uncertain Significance.

Blueprint Genetics
Classification: Uncertain significance. Last evaluated: 2018-06-06. Review status: criteria provided, single submitter. Criteria: ACMG Guidelines, 2015. Collection method: clinical testing. Allele origin: germline.

NM_002880.4(RAF1):c.728C>G (p.Ser243Cys)

Gene: RAF1 (Raf-1 proto-oncogene, serine/threonine kinase; minus strand). Cytogenetic location: 3p25.2.
Variant type: single nucleotide variant.
Coding change: c.728C>G on transcript NM_002880.4 (MANE Select); coding-DNA position 728, C replaced by G.
Protein change: p.Ser243Cys; replaces serine 243 with cysteine.
Molecular consequence: missense variant. On other transcripts: non-coding transcript variant (3).
Genome position (GRCh38, 1-based): chr3:12,604,242, G>C on the plus strand (C>G on the coding strand, the complement: RAF1 is on the minus strand). VCF-style: chr3-12604242-G-C. GRCh37 (hg19) VCF-style: chr3-12645741-G-C.
Other names: c.728C>G, p.Ser243Cys (NM_001354689.3, NM_001354690.3); c.485C>G, p.Ser162Cys (NM_001354691.3, NM_001354692.3, NM_001354694.3); c.629C>G, p.Ser210Cys (NM_001354693.3); c.386C>G, p.Ser129Cys (NM_001354695.3); short protein forms S243C, S162C, S129C, S210C.
Identifiers: ClinVar variation 636674 (VCV000636674.6), dbSNP rs1575573477, ClinGen allele CA351512885.
Genomic context (GRCh38, chr3:12,604,242, plus strand): 5'-ACATTAGGTGTGGATGTCGACCTCTGCCTCTGGGAGAGGGAACCTTCAGATGAGGGACTG[G>C]AGGTGTTAAAGGTGAAGGCGTGAGGTGTAGAATATCTGTGCTGAGAACTAGGAGGAGAAA-3'
Protein context (NP_002871.1, residues 233-253): STPHAFTFNT[Ser243Cys]SPSSEGSLSQ